The following is an entry in ClinVar:

NM_015602.4(TOR1AIP1):c.907+1G>A

Gene: TOR1AIP1 (torsin 1A interacting protein 1; plus strand). Cytogenetic location: 1q25.2.
Variant type: single nucleotide variant.
Coding change: c.907+1G>A on transcript NM_015602.4 (MANE Select); the canonical splice donor site of the intron after coding-DNA position 907, G replaced by A.
Molecular consequence: splice donor variant.
Genome position (GRCh38, 1-based): chr1:179,908,674, G>A. VCF-style: chr1-179908674-G-A. GRCh37 (hg19) VCF-style: chr1-179877809-G-A.
Other names: c.910+1G>A (NM_001267578.2).
Identifiers: ClinVar variation 2981146 (VCV002981146.3), dbSNP rs112561258, ClinGen allele CA1269024.

ClinVar aggregate classification (germline): Likely pathogenic (1 of 4 stars; one submission).

Conditions:
Autosomal recessive limb-girdle muscular dystrophy type 2Y (MRRSDC). Also called: Muscular dystrophy, autosomal recessive, with rigid spine and distal joint contractures; Muscular dystrophy, limb-girdle, type 2y. Identifiers: Orphanet 424261, MedGen C4511482, MONDO:0014900, OMIM 617072.

Allele frequency attached by ClinVar (database versions not stated): ExAC 0.00001; gnomAD exomes 0.00001.
gnomAD v4.1: 5 of 1,611,746 alleles (0.00031%); highest among the groups gnomAD compares: Non-Finnish European, 0.00042%; no homozygotes.

Submission:

Labcorp Genetics (formerly Invitae), Labcorp
Classification: Likely pathogenic for Autosomal recessive limb-girdle muscular dystrophy type 2Y. Last evaluated: 2023-04-09. Review status: criteria provided, single submitter. Criteria: Invitae Variant Classification Sherloc (09022015). Collection method: clinical testing. Allele origin: germline.
Comment: Algorithms developed to predict the effect of sequence changes on RNA splicing suggest that this variant may disrupt the consensus splice site. In summary, the currently available evidence indicates that the variant is pathogenic, but additional data are needed to prove that conclusively. Therefore, this variant has been classified as Likely Pathogenic. This variant has not been reported in the literature in individuals affected with TOR1AIP1-related conditions. This variant is present in population databases (rs112561258, gnomAD 0.002%). This sequence change affects a donor splice site in intron 8 of the TOR1AIP1 gene. It is expected to disrupt RNA splicing. Variants that disrupt the donor or acceptor splice site typically lead to a loss of protein function (PMID: 16199547), and loss-of-function variants in TOR1AIP1 are known to be pathogenic (PMID: 24856141, 27342937).

Literature cited by the submitters: PubMed 16199547; PubMed 24856141; PubMed 27342937.